The following is an entry in ClinVar:

NM_004519.4(KCNQ3):c.460G>A (p.Asp154Asn)

Gene: KCNQ3 (potassium voltage-gated channel subfamily Q member 3; minus strand). Cytogenetic location: 8q24.22.
Variant type: single nucleotide variant.
Coding change: c.460G>A on transcript NM_004519.4 (MANE Select); coding-DNA position 460, G replaced by A.
Protein change: p.Asp154Asn; replaces aspartic acid 154 with asparagine.
Molecular consequence: missense variant.
Genome position (GRCh38, 1-based): chr8:132,186,108, C>T on the plus strand (G>A on the coding strand, the complement: KCNQ3 is on the minus strand). VCF-style: chr8-132186108-C-T. GRCh37 (hg19) VCF-style: chr8-133198355-C-T.
Other names: c.100G>A, p.Asp34Asn (NM_001204824.2); short protein forms D154N, D34N.
Identifiers: ClinVar variation 1386436 (VCV001386436.8), dbSNP rs2130183977, ClinGen allele CA372291361.
Genomic context (GRCh38, chr8:132,186,108, plus strand): 5'-TGGAAGCCCAACCAGAAGCATTTACCCCAGAATGCAATCTTACCAGTAACAGAAGCCAGT[C>T]TCCCGAGACAGTCTCATACTCCTTGAATGTGGTCAGGACAGCCAGAATCAAGCACCCCAG-3'
Protein context (NP_004510.1, residues 144-164): TFKEYETVSG[Asp154Asn]WLLLLETFAI

ClinVar aggregate classification (germline): Uncertain significance (1 of 4 stars; one submission).

Conditions:
Benign neonatal seizures. Also called: Benign familial neonatal seizures; Benign neonatal familial convulsions; Convulsions benign familial neonatal dominant form; Autosomal dominant form of benign neonatal seizures; Benign familial neonatal epilepsy. Identifiers: Orphanet 1949, MedGen C0220669, MONDO:0016027.

Submission:

Labcorp Genetics (formerly Invitae), Labcorp
Classification: Uncertain significance for Benign neonatal seizures. Last evaluated: 2024-05-23. Review status: criteria provided, single submitter. Criteria: Invitae Variant Classification Sherloc (09022015). Collection method: clinical testing. Allele origin: germline.
Comment: This sequence change replaces aspartic acid, which is acidic and polar, with asparagine, which is neutral and polar, at codon 154 of the KCNQ3 protein (p.Asp154Asn). This variant is not present in population databases (gnomAD no frequency). This variant has not been reported in the literature in individuals affected with KCNQ3-related conditions. ClinVar contains an entry for this variant (Variation ID: 1386436). Advanced modeling of protein sequence and biophysical properties (such as structural, functional, and spatial information, amino acid conservation, physicochemical variation, residue mobility, and thermodynamic stability) performed at Invitae indicates that this missense variant is not expected to disrupt KCNQ3 protein function with a negative predictive value of 80%. In summary, the available evidence is currently insufficient to determine the role of this variant in disease. Therefore, it has been classified as a Variant of Uncertain Significance.